The following is an entry in ClinVar:

ClinVar aggregate classification (germline): Uncertain significance (1 of 4 stars; one submission).

gnomAD v4.1: 2 of 1,611,934 alleles (0.00012%); highest among the groups gnomAD compares: African/African-American, 0.0027%; no homozygotes.

Submission:

GeneDx
Classification: Uncertain significance. Last evaluated: 2022-07-08. Review status: criteria provided, single submitter. Criteria: GeneDx Variant Classification Process June 2021. Collection method: clinical testing. Allele origin: germline. Affected: yes.
Comment: Not observed at significant frequency in large population cohorts (gnomAD); In silico analysis supports that this missense variant does not alter protein structure/function; Has not been previously published as pathogenic or benign to our knowledge

NM_014633.5(CTR9):c.1448C>G (p.Ala483Gly)

Genes: CTR9 (CTR9 homolog, Paf1/RNA polymerase II complex component; plus strand), LOC126861140 (CDK7 strongly-dependent group 2 enhancer GRCh37_chr11:10785333-10786532; plus strand). Cytogenetic location: 11p15.4.
Variant type: single nucleotide variant.
Coding change: c.1448C>G on transcript NM_014633.5 (MANE Select); coding-DNA position 1448, C replaced by G.
Protein change: p.Ala483Gly; replaces alanine 483 with glycine.
Molecular consequence: missense variant.
Genome position (GRCh38, 1-based): chr11:10,764,582, C>G. VCF-style: chr11-10764582-C-G. GRCh37 (hg19) VCF-style: chr11-10786129-C-G.
Other names: c.1448C>G, p.Ala483Gly (NM_001346279.2); short protein forms A483G.
Identifiers: ClinVar variation 1810628 (VCV001810628.1), dbSNP rs536618493, ClinGen allele CA379667689.